The following is an entry in ClinVar:

NM_018671.5(UNC45A):c.2393G>A (p.Cys798Tyr)

Genes: RCCD1-AS1 (RCCD1 and UNC45A antisense RNA 1; minus strand), UNC45A (unc-45 myosin chaperone A; plus strand). Cytogenetic location: 15q26.1.
Variant type: single nucleotide variant.
Coding change: c.2393G>A on transcript NM_018671.5 (MANE Select); coding-DNA position 2393, G replaced by A.
Protein change: p.Cys798Tyr; replaces cysteine 798 with tyrosine.
Molecular consequence: missense variant. On other transcripts: non-coding transcript variant (1).
Genome position (GRCh38, 1-based): chr15:90,953,018, G>A. VCF-style: chr15-90953018-G-A. GRCh37 (hg19) VCF-style: chr15-91496248-G-A.
Other names: c.2348G>A, p.Cys783Tyr (NM_001039675.2, NM_001323621.2); c.2393G>A, p.Cys798Tyr (NM_001323619.1); c.1958G>A, p.Cys653Tyr (NM_001323620.2); short protein forms C653Y, C783Y, C798Y.
Identifiers: ClinVar variation 3359663 (VCV003359663.1).

ClinVar aggregate classification (germline): Uncertain significance (1 of 4 stars; one submission).

Submission:

GeneDx
Classification: Uncertain significance. Last evaluated: 2023-06-20. Review status: criteria provided, single submitter. Criteria: GeneDx Variant Classification Process June 2021. Collection method: clinical testing. Allele origin: germline. Affected: yes.
Comment: Not observed at significant frequency in large population cohorts (gnomAD); In silico analysis supports that this missense variant has a deleterious effect on protein structure/function; Has not been previously published as pathogenic or benign to our knowledge